The following is an entry in ClinVar:

NM_172107.4(KCNQ2):c.374C>T (p.Ala125Val)

Gene: KCNQ2 (potassium voltage-gated channel subfamily Q member 2; minus strand). Cytogenetic location: 20q13.33.
Variant type: single nucleotide variant.
Coding change: c.374C>T on transcript NM_172107.4 (MANE Select); coding-DNA position 374, C replaced by T.
Protein change: p.Ala125Val; replaces alanine 125 with valine.
Molecular consequence: missense variant.
Genome position (GRCh38, 1-based): chr20:63,446,760, G>A on the plus strand (C>T on the coding strand, the complement: KCNQ2 is on the minus strand). VCF-style: chr20-63446760-G-A. GRCh37 (hg19) VCF-style: chr20-62078113-G-A.
Other names: c.374C>T, p.Ala125Val (NM_001382235.1, NM_004518.6, NM_172106.3 and 2 more transcripts); short protein forms A125V.
Identifiers: ClinVar variation 3898813 (VCV003898813.2).
Genomic context (GRCh38, chr20:63,446,760, plus strand): 5'-AGCTCCTTCCTGGGCACTTCCAGCCCCCGCCCTCCCTCGGGGCTCACCAGGATGTAGAGG[G>A]CCCCCTCCGAGCTCTTCTCATACTCCTTGATGGTGGAAAACACAGACAGCACGAGGCAGG-3'
Protein context (NP_742105.1, residues 115-135): IKEYEKSSEG[Ala125Val]LYILEIVTIV

ClinVar aggregate classification (germline): Uncertain significance (1 of 4 stars; one submission).

gnomAD v4.1: 2 of 1,613,316 alleles (0.00012%); highest among the groups gnomAD compares: Non-Finnish European, 0.00017%; no homozygotes.

Submission:

GeneDx
Classification: Uncertain significance. Last evaluated: 2026-06-07. Review status: criteria provided, single submitter. Criteria: GeneDx Variant Classification Process June 2021. Collection method: clinical testing. Allele origin: germline.
Comment: In silico analysis suggests that this missense variant does not alter protein structure/function; Has not been previously published as pathogenic or benign to our knowledge; This substitution is predicted to be within the transmembrane segment S2